The following is an entry in ClinVar:

NM_003640.5(ELP1):c.3343G>T (p.Glu1115Ter)

Gene: ELP1 (elongator acetyltransferase complex subunit 1; minus strand). Cytogenetic location: 9q31.3.
Variant type: single nucleotide variant.
Coding change: c.3343G>T on transcript NM_003640.5 (MANE Select); coding-DNA position 3343, G replaced by T.
Protein change: p.Glu1115Ter; replaces glutamic acid 1115 with a stop codon.
Molecular consequence: nonsense.
Genome position (GRCh38, 1-based): chr9:108,881,708, C>A on the plus strand (G>T on the coding strand, the complement: ELP1 is on the minus strand). VCF-style: chr9-108881708-C-A. GRCh37 (hg19) VCF-style: chr9-111643988-C-A.
Other names: c.3001G>T, p.Glu1001Ter (NM_001318360.2); c.2296G>T, p.Glu766Ter (NM_001330749.2); short protein forms E1115*, E766*, E1001*.
Identifiers: ClinVar variation 1430990 (VCV001430990.8), dbSNP rs906880093, ClinGen allele CA197522172.

ClinVar aggregate classification (germline): Pathogenic/Likely pathogenic. Review status: criteria provided, multiple submitters, no conflicts (2 of 4 stars). 4 submissions from 4 submitters: Pathogenic (2); Likely pathogenic (2). Last evaluated 2025-12-03.

Conditions:
Familial dysautonomia. Also called: HSAN III; FD. Identifiers: Orphanet 1764, MedGen C0013364, MONDO:0009131, OMIM 223900. Disease mechanism: loss of function.
ELP1-Associated Medulloblastoma. Identifiers: MedGen C5670652.

Allele frequency attached by ClinVar (database versions not stated): TOPMed 0.00003.

Submissions (4):

Natera, Inc.
Classification: Likely pathogenic for Familial dysautonomia. Last evaluated: 2025-12-03. Review status: criteria provided, single submitter. Criteria: Natera Variant Classification Schema (03/2026). Collection method: clinical testing. Allele origin: germline.
Comment: The c.3343G>T variant in ELP1 is a nonsense variant predicted to introduce a stop codon at amino acid 1115. This variant is expected to result in nonsense mediated decay, truncation, or a dysfunctional protein product. This variant is rare in the general population with a frequency below the threshold expected for the associated phenotype(s). Given the available evidence, this variant is classified as Likely Pathogenic.

Institute for Genomic Medicine (IGM) Clinical Laboratory, Nationwide Children's Hospital
Classification: Likely pathogenic for ELP1-Associated Medulloblastoma. Last evaluated: 2025-02-19. Review status: criteria provided, single submitter. Criteria: ACMG Guidelines, 2015. Collection method: clinical testing. Allele origin: germline.
Comment: This variant is predicted to result in loss of function through nonsense-mediated decay of the encoded transcript or premature truncation of the encoded protein in a gene in which loss of function is a known mechanism of disease (ACMG/AMP: PVS1; PMID:32296180). This variant is absent from or present at an exceedingly low frequency in gnomAD, a large-scale control population database (ACMG/AMP: PM2).

Women's Health and Genetics/Laboratory Corporation of America, LabCorp
Classification: Pathogenic for Familial dysautonomia. Last evaluated: 2023-10-24. Review status: criteria provided, single submitter. Criteria: LabCorp Variant Classification Summary - May 2015. Collection method: clinical testing. Allele origin: germline.
Comment: Variant summary: IKBKAP c.3343G>T (p.Glu1115X) results in a premature termination codon, predicted to cause absence of the protein due to nonsense mediated decay, which is a commonly known mechanism for disease. The variant was absent in 250902 control chromosomes (gnomAD). To our knowledge, no occurrence of c.3343G>T in individuals affected with Familial Dysautonomia and no experimental evidence demonstrating its impact on protein function have been reported. One submitter has cited a clinical-significance assessment for this variant to ClinVar after 2014 and has classified the variant as pathogenic. Based on the evidence outlined above, the variant was classified as pathogenic.

Labcorp Genetics (formerly Invitae), Labcorp
Classification: Pathogenic. Last evaluated: 2021-09-08. Review status: criteria provided, single submitter. Criteria: Invitae Variant Classification Sherloc (09022015). Collection method: clinical testing. Allele origin: germline.
Comment: This variant has not been reported in the literature in individuals affected with ELP1-related conditions. This variant is not present in population databases (ExAC no frequency). This sequence change creates a premature translational stop signal (p.Glu1115*) in the ELP1 gene. It is expected to result in an absent or disrupted protein product. Loss-of-function variants in ELP1 are known to be pathogenic (PMID: 18303054, 24173031). For these reasons, this variant has been classified as Pathogenic.

Literature cited by the submitters: PubMed 32296180 (cited by Institute for Genomic Medicine (IGM) Clinical Laboratory, Nationwide Children's Hospital); PubMed 18303054 (cited by Labcorp Genetics (formerly Invitae), Labcorp); PubMed 24173031 (cited by Labcorp Genetics (formerly Invitae), Labcorp).